The following is an entry in ClinVar:

ClinVar aggregate classification (germline): Uncertain significance (1 of 4 stars; one submission).

Allele frequency attached by ClinVar (database versions not stated): gnomAD exomes below 0.00001 and 0.00001; ExAC 0.00001; gnomAD 0.00001; TOPMed 0.00001.
gnomAD v4.1: 5 of 1,566,238 alleles (0.00032%); highest among the groups gnomAD compares: Admixed American, 0.0064%; no homozygotes.

Submission:

Labcorp Genetics (formerly Invitae), Labcorp
Classification: Uncertain significance. Last evaluated: 2022-07-12. Review status: criteria provided, single submitter. Criteria: Invitae Variant Classification Sherloc (09022015). Collection method: clinical testing. Allele origin: germline.
Comment: This sequence change replaces alanine, which is neutral and non-polar, with valine, which is neutral and non-polar, at codon 689 of the PLK4 protein (p.Ala689Val). This variant is present in population databases (rs772696249, gnomAD 0.008%). This variant has not been reported in the literature in individuals affected with PLK4-related conditions. ClinVar contains an entry for this variant (Variation ID: 1361702). Algorithms developed to predict the effect of missense changes on protein structure and function are either unavailable or do not agree on the potential impact of this missense change (SIFT: "Deleterious"; PolyPhen-2: "Probably Damaging"; Align-GVGD: "Class C0"). Algorithms developed to predict the effect of sequence changes on RNA splicing suggest that this variant may create or strengthen a splice site. In summary, the available evidence is currently insufficient to determine the role of this variant in disease. Therefore, it has been classified as a Variant of Uncertain Significance.

NM_014264.5(PLK4):c.2066C>T (p.Ala689Val)

Gene: PLK4 (polo like kinase 4; plus strand). Cytogenetic location: 4q28.1.
Variant type: single nucleotide variant.
Coding change: c.2066C>T on transcript NM_014264.5 (MANE Select); coding-DNA position 2066, C replaced by T.
Protein change: p.Ala689Val; replaces alanine 689 with valine.
Molecular consequence: missense variant.
Genome position (GRCh38, 1-based): chr4:127,892,392, C>T. VCF-style: chr4-127892392-C-T. GRCh37 (hg19) VCF-style: chr4-128813547-C-T.
Other names: c.1970C>T, p.Ala657Val (NM_001190799.2); c.1943C>T, p.Ala648Val (NM_001190801.2); short protein forms A648V, A657V, A689V.
Identifiers: ClinVar variation 1361702 (VCV001361702.5), dbSNP rs772696249, ClinGen allele CA3076943.